The following is an entry in ClinVar:

NM_002181.4(IHH):c.931_937dup (p.Gln313fs)

Gene: IHH (Indian hedgehog signaling molecule; minus strand). Cytogenetic location: 2q35.
Variant type: Duplication.
Coding change: c.931_937dup on transcript NM_002181.4 (MANE Select); coding-DNA positions 931 to 937, 7 bases duplicated (GGCCTGC; older notation c.931_937dupGGCCTGC).
Protein change: p.Gln313fs; shifts the reading frame from glutamine 313.
Molecular consequence: frameshift variant.
Genome position (GRCh38, 1-based): chr2:219,055,506-219,055,512, GCAGGCC duplicated on the plus strand (GGCCTGC on the coding strand, the reverse complement: IHH is on the minus strand). VCF-style (leftmost placement, unchanged base first): chr2-219055505-T-TGCAGGCC. GRCh37 (hg19) VCF-style: chr2-219920227-T-TGCAGGCC.
Other names: short protein forms Q313fs.
Identifiers: ClinVar variation 2772702 (VCV002772702.3), dbSNP rs2469510181, ClinGen allele CA2697550459.

ClinVar aggregate classification (germline): Pathogenic (1 of 4 stars; one submission).

Submission:

Labcorp Genetics (formerly Invitae), Labcorp
Classification: Pathogenic. Last evaluated: 2024-02-29. Review status: criteria provided, single submitter. Criteria: Invitae Variant Classification Sherloc (09022015). Collection method: clinical testing. Allele origin: germline.
Comment: This sequence change creates a premature translational stop signal (p.Gln313Argfs*43) in the IHH gene. While this is not anticipated to result in nonsense mediated decay, it is expected to disrupt the last 99 amino acid(s) of the IHH protein. This variant is not present in population databases (gnomAD no frequency). This variant has not been reported in the literature in individuals affected with IHH-related conditions. This variant disrupts a region of the IHH protein in which other variant(s) (p.Val317Met) have been determined to be pathogenic (PMID: 29155992, 32311039; Invitae). This suggests that this is a clinically significant region of the protein, and that variants that disrupt it are likely to be disease-causing. For these reasons, this variant has been classified as Pathogenic.

Literature cited by the submitters: PubMed 29155992; PubMed 32311039.